The following is an entry in ClinVar:

NM_000298.6(PKLR):c.1595G>A (p.Arg532Gln)

Gene: PKLR (pyruvate kinase L/R; minus strand). Cytogenetic location: 1q22.
Variant type: single nucleotide variant.
Coding change: c.1595G>A on transcript NM_000298.6 (MANE Select); coding-DNA position 1595, G replaced by A.
Protein change: p.Arg532Gln; replaces arginine 532 with glutamine.
Molecular consequence: missense variant.
Genome position (GRCh38, 1-based): chr1:155,291,779, C>T on the plus strand (G>A on the coding strand, the complement: PKLR is on the minus strand). VCF-style: chr1-155291779-C-T. GRCh37 (hg19) VCF-style: chr1-155261570-C-T.
Other names: c.1502G>A, p.Arg501Gln (NM_181871.4); short protein forms R501Q, R532Q.
Identifiers: ClinVar variation 1324921 (VCV001324921.9), dbSNP rs758278200, ClinGen allele CA1143963.

ClinVar aggregate classification (germline): Conflicting classifications of pathogenicity. Review status: criteria provided, conflicting classifications (1 of 4 stars). 4 submissions from 4 submitters: Likely pathogenic (3); Uncertain significance (1). Last evaluated 2026-01-16.

Conditions:
Pyruvate kinase deficiency of red cells (CNSHA2). Also called: PK DEFICIENCY; PYRUVATE KINASE DEFICIENCY OF ERYTHROCYTE; Pyruvate kinase deficiency, Amish type. Identifiers: Orphanet 766, MedGen C0340968, MONDO:0009950, OMIM 266200.

Allele frequency attached by ClinVar (database versions not stated): TOPMed below 0.00001; ExAC 0.00001; gnomAD exomes 0.00001.
gnomAD v4.1: 12 of 1,613,998 alleles (0.00074%); highest among the groups gnomAD compares: African/African-American, 0.0013%; no homozygotes.

Submissions (4):

Labcorp Genetics (formerly Invitae), Labcorp
Classification: Uncertain significance. Last evaluated: 2026-01-16. Review status: criteria provided, single submitter. Criteria: Invitae Variant Classification Sherloc (09022015). Collection method: clinical testing. Allele origin: germline.
Comment: This sequence change replaces arginine, which is basic and polar, with glutamine, which is neutral and polar, at codon 532 of the PKLR protein (p.Arg532Gln). This variant is present in population databases (rs758278200, gnomAD 0.007%). This missense change has been observed in individual(s) with pyruvate kinase deficiency (PMID: 9827908, 36892591). ClinVar contains an entry for this variant (Variation ID: 1324921). Invitae Evidence Modeling of protein sequence and biophysical properties (such as structural, functional, and spatial information, amino acid conservation, physicochemical variation, residue mobility, and thermodynamic stability) has been performed for this missense variant. However, the output from this modeling did not meet the statistical confidence thresholds required to predict the impact of this variant on PKLR protein function. This variant disrupts the p.Arg532 amino acid residue in PKLR. Other variant(s) that disrupt this residue have been determined to be pathogenic (PMID: 33631127; internal data). This suggests that this residue is clinically significant, and that variants that disrupt this residue are likely to be disease-causing. In summary, the available evidence is currently insufficient to determine the role of this variant in disease. Therefore, it has been classified as a Variant of Uncertain Significance.

First Genomix Gene Laboratory, Genetic Diagnostics Department
Classification: Likely pathogenic for Pyruvate kinase deficiency of red cells. Last evaluated: 2025-09-19. Review status: criteria provided, single submitter. Criteria: ACMG Guidelines, 2015. Collection method: clinical testing. Allele origin: germline. Inheritance: Autosomal recessive inheritance. Affected: no. Observed: 1 variant allele.

Revvity Omics, Revvity
Classification: Likely pathogenic. Last evaluated: 2024-11-07. Review status: criteria provided, single submitter. Criteria: ACMG Guidelines, 2015. Collection method: clinical testing. Allele origin: germline.

ARUP Laboratories, Molecular Genetics and Genomics, ARUP Laboratories
Classification: Likely pathogenic. Last evaluated: 2024-10-01. Review status: criteria provided, single submitter. Criteria: ARUP Molecular Germline Variant Investigation Process 2024. Collection method: clinical testing. Allele origin: germline.
Comment: The PKLR c.1595G>A; p.Arg532Gln variant (rs758278200; ClinVar Variation ID: 1324921) is reported in the literature in one individual affected with pyruvate kinase deficiency (Zarza 1998). This variant is only observed on two alleles in the Genome Aggregation Database (v2.1.1), indicating it is not a common polymorphism. Additionally, other variants at this codon (c.1595G>C, p.Arg532Pro; c.1594C>T, p.Arg532Trp) have been reported in individuals with Pyruvate kinase deficiency and are considered pathogenic (Lenzner 1994, Milanesio 2021). Computational analyses predict that this variant is deleterious (REVEL: 0.96). Based on available information, this variant is considered to be likely pathogenic. References: Lenzner C et al. Mutations in the pyruvate kinase L gene in patients with hereditary hemolytic anemia. Blood. 1994 May 15. PMID: 8180378 Milanesio B et al. Six novel variants in the PKLR gene associated with pyruvate kinase deficiency in Argentinian patients. Clin Biochem. 2021 May. PMID: 33631127 Zarza R et al. Molecular characterization of the PK-LR gene in pyruvate kinase deficient Spanish patients. Red Cell Pathology Group of the Spanish Society of Haematology (AEHH). Br J Haematol. 1998 Nov. PMID: 9827908

Literature cited by the submitters: PubMed 9827908 (cited by Labcorp Genetics (formerly Invitae), Labcorp); PubMed 36892591 (cited by Labcorp Genetics (formerly Invitae), Labcorp); PubMed 33631127 (cited by Labcorp Genetics (formerly Invitae), Labcorp).